The following is an entry in ClinVar:

NM_144988.4(ALG14):c.402C>A (p.His134Gln)

Gene: ALG14 (ALG14 UDP-N-acetylglucosaminyltransferase subunit; minus strand). Cytogenetic location: 1p21.3.
Variant type: single nucleotide variant.
Coding change: c.402C>A on transcript NM_144988.4 (MANE Select); coding-DNA position 402, C replaced by A.
Protein change: p.His134Gln; replaces histidine 134 with glutamine.
Molecular consequence: missense variant. On other transcripts: non-coding transcript variant (1).
Genome position (GRCh38, 1-based): chr1:95,027,147, G>T on the plus strand (C>A on the coding strand, the complement: ALG14 is on the minus strand). VCF-style: chr1-95027147-G-T. GRCh37 (hg19) VCF-style: chr1-95492703-G-T.
Other names: c.439C>A, p.Gln147Lys (NM_001305242.2); short protein forms H134Q, Q147K.
Identifiers: ClinVar variation 2103275 (VCV002103275.4), dbSNP rs2525686851, ClinGen allele CA341365531.

ClinVar aggregate classification (germline): Uncertain significance (1 of 4 stars; one submission).

Conditions:
Congenital myasthenic syndrome 15. Also called: Myasthenic syndrome, congenital, 15, without tubular aggregates. Identifiers: Orphanet 353327, Orphanet 590, MedGen C4015596, MONDO:0014542, OMIM 616227.

Submission:

Labcorp Genetics (formerly Invitae), Labcorp
Classification: Uncertain significance for Congenital myasthenic syndrome 15. Last evaluated: 2022-02-25. Review status: criteria provided, single submitter. Criteria: Invitae Variant Classification Sherloc (09022015). Collection method: clinical testing. Allele origin: germline.
Comment: This sequence change replaces histidine, which is basic and polar, with glutamine, which is neutral and polar, at codon 134 of the ALG14 protein (p.His134Gln). This variant is not present in population databases (gnomAD no frequency). This variant has not been reported in the literature in individuals affected with ALG14-related conditions. Algorithms developed to predict the effect of missense changes on protein structure and function (SIFT, PolyPhen-2, Align-GVGD) all suggest that this variant is likely to be tolerated. In summary, the available evidence is currently insufficient to determine the role of this variant in disease. Therefore, it has been classified as a Variant of Uncertain Significance.